The following is an entry in ClinVar:

ClinVar aggregate classification (germline): Likely pathogenic (1 of 4 stars; one submission).

Conditions:
Menkes kinky-hair syndrome (MNK). Also called: Copper transport disease; Classic Menkes Disease; Menkes Disease. Identifiers: Orphanet 565, MedGen C0022716, MONDO:0010651, OMIM 309400.

Submission:

Myriad Genetics, Inc.
Classification: Likely pathogenic for Menkes kinky-hair syndrome. Last evaluated: 2022-02-17. Review status: criteria provided, single submitter. Criteria: Myriad Autosomal Dominant, Autosomal Recessive and X-Linked Classification Criteria (2023). Collection method: clinical testing. Allele origin: unknown.
Comment: NM_000052.5(ATP7A):c.1257_1267del11(E420Sfs*18) is expected to be pathogenic in the context of ATP7A-related disorders. This variant is predicted to lead to an abnormal or absent protein product due to the creation of a premature termination codon in ATP7A, a gene where loss-of-function variants are known to be pathogenic. Please note: this variant was assessed in the context of healthy population screening.

NM_000052.7(ATP7A):c.1257_1267del (p.Glu420fs)

Gene: ATP7A (ATPase copper transporting alpha; plus strand). Cytogenetic location: Xq21.1.
Variant type: Deletion.
Coding change: c.1257_1267del on transcript NM_000052.7 (MANE Select); coding-DNA positions 1257 to 1267, 11 bases deleted (TGAGTATGATC).
Protein change: p.Glu420fs; shifts the reading frame from glutamic acid 420.
Molecular consequence: frameshift variant.
Genome position (GRCh38, 1-based): chrX:77,989,879-77,989,889, TGAGTATGATC deleted. VCF-style (leftmost placement, unchanged base first): chrX-77989878-TTGAGTATGATC-T. GRCh37 (hg19) VCF-style: chrX-77245374-TTGAGTATGATC-T.
Other names: c.1257_1267del, p.Glu420fs (NM_001282224.2); short protein forms E420fs.
Identifiers: ClinVar variation 1724486 (VCV001724486.3), dbSNP rs2522295279, ClinGen allele CA2580101478.